The following is an entry in ClinVar:

NM_001982.4(ERBB3):c.547_547+2del

Gene: ERBB3 (erb-b2 receptor tyrosine kinase 3; plus strand). Cytogenetic location: 12q13.2.
Variant type: Deletion.
Coding change: c.547_547+2del on transcript NM_001982.4 (MANE Select); coding-DNA position 547 through the canonical splice donor site of the intron after coding-DNA position 547, 3 bases deleted (TGT; older notation c.547_547+2delTGT).
Molecular consequence: splice donor variant.
Genome position (GRCh38, 1-based): chr12:56,086,656-56,086,658, TGT deleted. VCF-style (leftmost placement, unchanged base first): chr12-56086655-CTGT-C. GRCh37 (hg19) VCF-style: chr12-56480439-CTGT-C.
Identifiers: ClinVar variation 4805825 (VCV004805825.1).

ClinVar aggregate classification (germline): Likely pathogenic (1 of 4 stars; one submission).

Submission:

Labcorp Genetics (formerly Invitae), Labcorp
Classification: Likely pathogenic. Last evaluated: 2025-10-11. Review status: criteria provided, single submitter. Criteria: Invitae Variant Classification Sherloc (09022015). Collection method: clinical testing. Allele origin: germline.
Comment: This variant results in the deletion of part of exon 4 (c.547_547+2del) of the ERBB3 gene. It is expected to disrupt RNA splicing. Variants that disrupt the donor or acceptor splice site typically lead to a loss of protein function (PMID: 16199547), and loss-of-function variants in ERBB3 are known to be pathogenic (PMID: 17701904, 31752936, 33497358). This variant is not present in population databases (gnomAD no frequency). This variant has not been reported in the literature in individuals affected with ERBB3-related conditions. Algorithms developed to predict the effect of sequence changes on RNA splicing suggest that this variant may disrupt the consensus splice site. In summary, the currently available evidence indicates that the variant is pathogenic, but additional data are needed to prove that conclusively. Therefore, this variant has been classified as Likely Pathogenic.

Literature cited by the submitters: PubMed 16199547; PubMed 17701904; PubMed 31752936; PubMed 33497358.